The following is an entry in ClinVar:

ClinVar aggregate classification (germline): Uncertain significance (1 of 4 stars; one submission).

Conditions:
Hereditary cancer-predisposing syndrome. Also called: Neoplastic Syndromes, Hereditary; Tumor predisposition; Hereditary neoplastic syndrome; Hereditary Cancer Syndrome. Identifiers: Orphanet 140162, MedGen C0027672, MeSH D009386, MONDO:0015356.

Allele frequency attached by ClinVar (database versions not stated): gnomAD exomes below 0.00001.
gnomAD v4.1: 1 of 1,613,832 alleles (0.000062%); highest among the groups gnomAD compares: Non-Finnish European, 0.000085%; no homozygotes.

Submission:

Ambry Genetics
Classification: Uncertain significance for Hereditary cancer-predisposing syndrome. Last evaluated: 2022-11-08. Review status: criteria provided, single submitter. Criteria: Ambry Variant Classification Scheme 2023. Collection method: clinical testing. Allele origin: germline.
Comment: The p.L822F variant (also known as c.2464C>T), located in coding exon 4 of the MSH6 gene, results from a C to T substitution at nucleotide position 2464. The leucine at codon 822 is replaced by phenylalanine, an amino acid with highly similar properties. This amino acid position is highly conserved in available vertebrate species. In addition, this alteration is predicted to be deleterious by in silico analysis. Since supporting evidence is limited at this time, the clinical significance of this alteration remains unclear.

NM_000179.3(MSH6):c.2464C>T (p.Leu822Phe)

Gene: MSH6 (mutS homolog 6; plus strand). Cytogenetic location: 2p16.3.
Variant type: single nucleotide variant.
Coding change: c.2464C>T on transcript NM_000179.3 (MANE Select); coding-DNA position 2464, C replaced by T.
Protein change: p.Leu822Phe; replaces leucine 822 with phenylalanine.
Molecular consequence: missense variant. On other transcripts: non-coding transcript variant (5), intron variant (3).
Genome position (GRCh38, 1-based): chr2:47,800,447, C>T. VCF-style: chr2-47800447-C-T. GRCh37 (hg19) VCF-style: chr2-48027586-C-T.
Other names: c.2167C>T, p.Leu723Phe (NM_001406805.1, NM_001406797.1, NM_001406801.1 and 10 more transcripts); c.1939C>T, p.Leu647Phe (NM_001406806.1, NM_001406807.1, NM_001406799.1); c.2464C>T, p.Leu822Phe (NM_001406808.1, NM_001406809.1, NM_001406796.1 and 2 more transcripts); c.1558C>T, p.Leu520Phe (NM_001406811.1, NM_001406812.1, NM_001281493.2 and 6 more transcripts); c.2470C>T, p.Leu824Phe (NM_001406813.1); c.2074C>T, p.Leu692Phe (NM_001281492.2); c.2560C>T, p.Leu854Phe (NM_001406795.1, NM_001406802.1); c.2386C>T, p.Leu796Phe (NM_001406804.1); and 4 more; short protein forms L520F, L692F, L822F, L824F, L723F, L766F, L796F, L854F.
Identifiers: ClinVar variation 2453149 (VCV002453149.2), dbSNP rs2104408143, ClinGen allele CA346754097.